The following is an entry in ClinVar:

ClinVar aggregate classification (germline): Uncertain significance (1 of 4 stars; one submission).

Submission:

Ambry Genetics
Classification: Uncertain significance. Last evaluated: 2024-11-30. Review status: criteria provided, single submitter. Criteria: Ambry Variant Classification Scheme 2023. Collection method: clinical testing. Allele origin: germline.
Comment: The p.Q548R variant (also known as c.1643A>G), located in coding exon 17 of the SRP72 gene, results from an A to G substitution at nucleotide position 1643. The glutamine at codon 548 is replaced by arginine, an amino acid with highly similar properties. This amino acid position is conserved. In addition, the in silico prediction for this alteration is inconclusive. Based on the available evidence, the clinical significance of this variant remains unclear.

NM_006947.4(SRP72):c.1643A>G (p.Gln548Arg)

Gene: SRP72 (signal recognition particle 72; plus strand). Cytogenetic location: 4q12.
Variant type: single nucleotide variant.
Coding change: c.1643A>G on transcript NM_006947.4 (MANE Select); coding-DNA position 1643, A replaced by G.
Protein change: p.Gln548Arg; replaces glutamine 548 with arginine.
Molecular consequence: missense variant. On other transcripts: non-coding transcript variant (1).
Genome position (GRCh38, 1-based): chr4:56,495,359, A>G. VCF-style: chr4-56495359-A-G. GRCh37 (hg19) VCF-style: chr4-57361525-A-G.
Other names: c.1460A>G, p.Gln487Arg (NM_001267722.2); short protein forms Q487R, Q548R.
Identifiers: ClinVar variation 3449420 (VCV003449420.1).